The following is an entry in ClinVar:

NM_004369.4(COL6A3):c.865G>A (p.Glu289Lys)

Gene: COL6A3 (collagen type VI alpha 3 chain; minus strand). Cytogenetic location: 2q37.3.
Variant type: single nucleotide variant.
Coding change: c.865G>A on transcript NM_004369.4 (MANE Select); coding-DNA position 865, G replaced by A.
Protein change: p.Glu289Lys; replaces glutamic acid 289 with lysine.
Molecular consequence: missense variant. On other transcripts: intron variant (2).
Genome position (GRCh38, 1-based): chr2:237,388,029, C>T on the plus strand (G>A on the coding strand, the complement: COL6A3 is on the minus strand). VCF-style: chr2-237388029-C-T. GRCh37 (hg19) VCF-style: chr2-238296672-C-T.
Other names: c.247G>A, p.Glu83Lys (NM_057165.5, NM_057167.4); c.92-6530G>A (NM_057166.5, NM_057164.5); short protein forms E83K, E289K.
Identifiers: ClinVar variation 4765850 (VCV004765850.1).

ClinVar aggregate classification (germline): Uncertain significance (1 of 4 stars; one submission).

Conditions:
Bethlem myopathy 1A. Also called: Bethlem myopathy 1; Bethlem Muscular Dystrophy; MYOPATHY, BENIGN CONGENITAL, WITH CONTRACTURES. Identifiers: Orphanet 610, MedGen CN029274, MONDO:0024530, OMIM 158810.

gnomAD v4.1: 2 of 1,614,086 alleles (0.00012%); highest among the groups gnomAD compares: African/African-American, 0.0027%; no homozygotes.

Submission:

Labcorp Genetics (formerly Invitae), Labcorp
Classification: Uncertain significance for Bethlem myopathy 1A. Last evaluated: 2025-12-15. Review status: criteria provided, single submitter. Criteria: Invitae Variant Classification Sherloc (09022015). Collection method: clinical testing. Allele origin: germline.
Comment: This sequence change replaces glutamic acid, which is acidic and polar, with lysine, which is basic and polar, at codon 289 of the COL6A3 protein (p.Glu289Lys). This variant is not present in population databases (gnomAD no frequency). This variant has not been reported in the literature in individuals affected with COL6A3-related conditions. Invitae Evidence Modeling of protein sequence and biophysical properties (such as structural, functional, and spatial information, amino acid conservation, physicochemical variation, residue mobility, and thermodynamic stability) indicates that this missense variant is not expected to disrupt COL6A3 protein function with a negative predictive value of 95%. In summary, the available evidence is currently insufficient to determine the role of this variant in disease. Therefore, it has been classified as a Variant of Uncertain Significance.